The following is an entry in ClinVar:

ClinVar aggregate classification (germline): Pathogenic (1 of 4 stars; one submission).

Conditions:
Hereditary spastic paraplegia 4. Also called: Spastic Paraplegia 4; Spastic paraplegia 4, autosomal dominant; Familial spastic paraplegia autosomal dominant 2. Identifiers: Orphanet 100985, MedGen C1866855, MONDO:0008438, OMIM 182601.

Submission:

Victorian Clinical Genetics Services, Murdoch Childrens Research Institute
Classification: Pathogenic for Hereditary spastic paraplegia 4. Last evaluated: 2022-02-02. Review status: criteria provided, single submitter. Criteria: ACMG Guidelines, 2015. Collection method: clinical testing. Allele origin: germline. Inheritance: Autosomal dominant inheritance. Affected: yes.
Comment: Based on the classification scheme VCGS_Germline_v1.3.4, this variant is classified as Pathogenic. Following criteria are met: 0103 - Dominant Negative and loss-of-function are known mechanisms of disease for this gene and are associated with spastic paraplegia 4 (MIM# 182601). Multiple loss of function variants have been reported, while a dominant negative mechanism has been stipulated for a small number of missense variants (ClinVar; PMID: 30006150). (I) 0107 - This gene is associated with autosomal dominant disease. (I) 0112 - The condition associated with this gene has incomplete penetrance. Approximately 6% of carriers remain asymptomatic throughout life (GeneReviews). (I) 0115 - Variants in this gene are known to have variable expressivity. Intra-familial variability has been reported (GeneReviews). (I) 0205 - Variant is predicted to result in a truncated protein (premature termination codon is NOT located at least 54 nucleotides upstream of the final exon-exon junction) with less than 1/3 of the protein sequence affected. (SP) 0251 - This variant is heterozygous. (I) 0301 - Variant is absent from gnomAD (both v2 and v3). (SP) 0600 - Variant is located in the annotated AAA lid domain (NCBI). (I) 0701 - Other downstream truncating variants comparable to the one identified in this case have very strong previous evidence for pathogenicity. Several others have been reported to be pathogenic or likely pathogenic by diagnostic laboratories in ClinVar. (SP) 0803 - This variant has limited previous evidence of pathogenicity in unrelated individuals. It has been identified in at least two spastic paraplegia 4 (MIM#182601) families with a total of seven affecteds (PMID: 22817815, 25421405). (SP) 1007 - No published functional evidence has been identified for this variant. (I) Legend: (SP) - Supporting pathogenic, (I) - Information, (SB) - Supporting benign

Literature cited by the submitters: PubMed 22817815; PubMed 25421405; PubMed 30006150.

NM_014946.4(SPAST):c.1714_1715del (p.Met572fs)

Gene: SPAST (spastin; plus strand). Cytogenetic location: 2p22.3.
Variant type: Microsatellite.
Coding change: c.1714_1715del on transcript NM_014946.4 (MANE Select); coding-DNA positions 1714 to 1715, 2 bases deleted (AT; older notation c.1714_1715delAT).
Protein change: p.Met572fs; shifts the reading frame from methionine 572.
Molecular consequence: frameshift variant.
Genome position (GRCh38, 1-based): chr2:32,147,244-32,147,245, AT deleted; deleting any 2 consecutive bases within chr2:32,147,242-32,147,245 gives the same sequence; the c. name uses the placement nearest the transcript's 3' end. VCF-style (leftmost placement, unchanged base first): chr2-32147241-AAT-A. GRCh37 (hg19) VCF-style: chr2-32372310-AAT-A.
Other names: c.1711_1712del, p.Met571fs (NM_001363823.2); c.1615_1616del, p.Met539fs (NM_001363875.2); c.1547_1548del, p.Tyr516fs (NM_001377959.1); c.1618_1619del, p.Met540fs (NM_199436.2); short protein forms M539fs, M540fs, M571fs, M572fs, Y516fs.
Identifiers: ClinVar variation 1699139 (VCV001699139.3), dbSNP rs2148762813, ClinGen allele CA2573131744.
Genomic context (GRCh38, chr2:32,147,241, plus strand): 5'-TATGTATTTTTAAGTGCCTGACTTTTATGTTTTACAGAACTAAAACCAGAACAGGTGAAG[AAT>A]ATGTCTGCCAGTGAGGTATAGTATTTTACAATGATATTTTCTTTGTCTTCTATATTGTAA-3'